The following is an entry in ClinVar:

NM_007294.4(BRCA1):c.3427T>C (p.Ser1143Pro)

Genes: BRCA1 (BRCA1 DNA repair associated; minus strand), LOC126862571 (BRD4-independent group 4 enhancer GRCh37_chr17:41243136-41244335; plus strand). Cytogenetic location: 17q21.31.
Variant type: single nucleotide variant.
Coding change: c.3427T>C on transcript NM_007294.4 (MANE Select); coding-DNA position 3427, T replaced by C.
Protein change: p.Ser1143Pro; replaces serine 1143 with proline.
Molecular consequence: missense variant. On other transcripts: intron variant (135).
Genome position (GRCh38, 1-based): chr17:43,092,104, A>G on the plus strand (T>C on the coding strand, the complement: BRCA1 is on the minus strand). VCF-style: chr17-43092104-A-G. GRCh37 (hg19) VCF-style: chr17-41244121-A-G.
Other names: c.3214T>C, p.Ser1072Pro (NM_001407571.1, NM_001407853.1, NM_001407894.1 and 9 more transcripts); c.3427T>C, p.Ser1143Pro (NM_001407581.1, NM_001407582.1, NM_001407583.1 and 30 more transcripts); c.3424T>C, p.Ser1142Pro (NM_001407587.1, NM_001407590.1, NM_001407591.1 and 22 more transcripts); c.3418T>C, p.Ser1140Pro (NM_001407646.1, NM_001407647.1); c.3304T>C, p.Ser1102Pro (NM_001407648.1, NM_001407664.1, NM_001407665.1 and 19 more transcripts); c.3301T>C, p.Ser1101Pro (NM_001407649.1, NM_001407670.1, NM_001407671.1 and 11 more transcripts); c.3349T>C, p.Ser1117Pro (NM_001407653.1, NM_001407654.1, NM_001407655.1 and 4 more transcripts); c.3346T>C, p.Ser1116Pro (NM_001407659.1, NM_001407660.1, NM_001407661.1 and 1 more transcripts); and 41 more; short protein forms S1143P, S1096P, S1031P, S1032P, S1073P, S1116P, S1117P, S1140P.
Identifiers: ClinVar variation 1434447 (VCV001434447.11), dbSNP rs2154316944, ClinGen allele CA10595125.
Genomic context (GRCh38, chr17:43,092,104, plus strand): 5'-TATCTTCCTTTATTTCACCATCATCTAACAGGTCATCAGGTGTCTCAGAACAAACCTGAG[A>G]TGCATGACTACTTCCCATAGGCTGTTCTAAGTTATCTGAAATCAGATATGGAGAGAAATC-3'
Protein context (NP_009225.1, residues 1133-1153): LEQPMGSSHA[Ser1143Pro]QVCSETPDDL

ClinVar aggregate classification (germline): Conflicting classifications of pathogenicity. Review status: criteria provided, conflicting classifications (1 of 4 stars). 4 submissions from 4 submitters: Uncertain significance (3); Likely benign (1). Last evaluated 2024-08-05.

Conditions:
Hereditary cancer-predisposing syndrome. Also called: Hereditary Cancer Syndrome; Hereditary neoplastic syndrome; Neoplastic Syndromes, Hereditary; Tumor predisposition. Identifiers: Orphanet 140162, MedGen C0027672, MeSH D009386, MONDO:0015356.
Hereditary breast ovarian cancer syndrome. Also called: Hereditary breast and ovarian cancer syndrome (HBOC); Breast and ovarian cancer; BRCA1- and BRCA2-Associated Hereditary Breast and Ovarian Cancer; Hereditary breast and/or ovarian cancer syndrome; Hereditary breast and ovarian cancer; Hereditary breast and ovarian cancer syndrome. Identifiers: Orphanet 145, MedGen C0677776, MeSH D061325, MONDO:0003582. Disease mechanism: loss of function.

Submissions (4):

Labcorp Genetics (formerly Invitae), Labcorp
Classification: Uncertain significance for Hereditary breast ovarian cancer syndrome. Last evaluated: 2024-08-05. Review status: criteria provided, single submitter. Criteria: Invitae Variant Classification Sherloc (09022015). Collection method: clinical testing. Allele origin: germline.
Comment: This sequence change replaces serine, which is neutral and polar, with proline, which is neutral and non-polar, at codon 1143 of the BRCA1 protein (p.Ser1143Pro). This variant is not present in population databases (gnomAD no frequency). This variant has not been reported in the literature in individuals affected with BRCA1-related conditions. ClinVar contains an entry for this variant (Variation ID: 1434447). Advanced modeling of protein sequence and biophysical properties (such as structural, functional, and spatial information, amino acid conservation, physicochemical variation, residue mobility, and thermodynamic stability) performed at Invitae indicates that this missense variant is not expected to disrupt BRCA1 protein function with a negative predictive value of 95%. In summary, the available evidence is currently insufficient to determine the role of this variant in disease. Therefore, it has been classified as a Variant of Uncertain Significance.

University of Washington Department of Laboratory Medicine, University of Washington
Classification: Likely benign for Hereditary cancer-predisposing syndrome. Last evaluated: 2023-03-23. Review status: criteria provided, single submitter. Criteria: Dines et al. (Genet Med. 2020). Collection method: curation. Allele origin: germline.
Comment: Missense variant in a coldspot region where missense variants are very unlikely to be pathogenic (PMID:31911673).

BRCA1 coldspot (exon 11 using historical exon numbering). Reclassification based on statistical prior probability

Sema4
Classification: Uncertain significance for Hereditary cancer-predisposing syndrome. Last evaluated: 2021-11-24. Review status: criteria provided, single submitter. Criteria: Sema4 Curation Guidelines. Collection method: curation. Allele origin: germline.
Comment: The BRCA1 c.3427T>C (p.S1143P) variant has not been reported in the literature to our knowledge. This variant is not reported in the population database Genome Aggregation Database (PMID: 32461654). The variant has not been reported in ClinVar. Functional studies have not been performed, and in silico predictions of the variant's effect on protein function are inconclusive. The evidence is insufficient to meet ACMG/AMP criteria for classifying the variant as benign or pathogenic. Thus, the clinical significance of this variant is currently uncertain.

Ambry Genetics
Classification: Uncertain significance for Hereditary cancer-predisposing syndrome. Last evaluated: 2016-11-19. Review status: criteria provided, single submitter. Criteria: Ambry Variant Classification Scheme 2023. Collection method: clinical testing. Allele origin: germline.
Comment: The p.S1143P variant (also known as c.3427T>C), located in coding exon 9 of the BRCA1 gene, results from a T to C substitution at nucleotide position 3427. The serine at codon 1143 is replaced by proline, an amino acid with similar properties. This variant was not reported in population based cohorts in the following databases: Database of Single Nucleotide Polymorphisms (dbSNP), NHLBI Exome Sequencing Project (ESP), and 1000 Genomes Project. In the ESP, this variant was not observed in 6503 samples (13006 alleles) with coverage at this position. To date, this alteration has been detected with an allele frequency of approximately 0.0003% (greater than 300000 alleles tested) in our clinical cohort. This amino acid position is poorly conserved in available vertebrate species. In addition, the in silico prediction for this alteration is inconclusive. Since supporting evidence is limited at this time, the clinical significance of this alteration remains unclear.

Literature cited by the submitters: PubMed 23704879 (cited by Ambry Genetics).